The following is an entry in ClinVar:

NM_000180.4(GUCY2D):c.514C>T (p.Leu172Phe)

Gene: GUCY2D (guanylate cyclase 2D, retinal; plus strand). Cytogenetic location: 17p13.1.
Variant type: single nucleotide variant.
Coding change: c.514C>T on transcript NM_000180.4 (MANE Select); coding-DNA position 514, C replaced by T.
Protein change: p.Leu172Phe; replaces leucine 172 with phenylalanine.
Molecular consequence: missense variant.
Genome position (GRCh38, 1-based): chr17:8,003,561, C>T. VCF-style: chr17-8003561-C-T. GRCh37 (hg19) VCF-style: chr17-7906879-C-T.
Other names: short protein forms L172F.
Identifiers: ClinVar variation 2577234 (VCV002577234.1), dbSNP rs2545418100, ClinGen allele CA397943980.

ClinVar aggregate classification (germline): Uncertain significance (1 of 4 stars; one submission).

Submission:

Women's Health and Genetics/Laboratory Corporation of America, LabCorp
Classification: Uncertain significance. Last evaluated: 2023-07-27. Review status: criteria provided, single submitter. Criteria: LabCorp Variant Classification Summary - May 2015. Collection method: clinical testing. Allele origin: germline.
Comment: Variant summary: GUCY2D c.514C>T (p.Leu172Phe) results in a non-conservative amino acid change located in the Receptor, ligand binding region (IPR001828) of the encoded protein sequence. Four of five in-silico tools predict a damaging effect of the variant on protein function. The variant was absent in 187954 control chromosomes. The available data on variant occurrences in the general population are insufficient to allow any conclusion about variant significance. c.514C>T has been reported in the literature as a heterozygous genotype (second allele not specified) in one individual affected with retinitis pigmentosa (Maeda_2018); however, this report classified the variant as "uncertain significance" and does not provide unequivocal conclusions about association of the variant with Leber Congenital Amaurosis. To our knowledge, no experimental evidence demonstrating an impact on protein function has been reported. The following publication has been ascertained in the context of this evaluation (PMID: 29785639). No submitters have cited clinical-significance assessments for this variant to ClinVar after 2014. Based on the evidence outlined above, the variant was classified as uncertain significance.

Literature cited by the submitters: PubMed 29785639.